The following is an entry in ClinVar:

NM_001165963.4(SCN1A):c.1261G>A (p.Val421Met)

Gene: SCN1A (sodium voltage-gated channel alpha subunit 1; minus strand). Cytogenetic location: 2q24.3.
Variant type: single nucleotide variant.
Coding change: c.1261G>A on transcript NM_001165963.4 (MANE Select); coding-DNA position 1261, G replaced by A.
Protein change: p.Val421Met; replaces valine 421 with methionine.
Molecular consequence: missense variant. On other transcripts: 5 prime UTR variant (1), non-coding transcript variant (1).
Genome position (GRCh38, 1-based): chr2:166,046,886, C>T on the plus strand (G>A on the coding strand, the complement: SCN1A is on the minus strand). VCF-style: chr2-166046886-C-T. GRCh37 (hg19) VCF-style: chr2-166903396-C-T.
Other names: c.1261G>A, p.Val421Met (NM_001165964.3, NM_001202435.3, NM_001353948.2 and 10 more transcripts); c.-1165G>A (NM_001353961.2); c.1261G>A (NM_001165963.3); short protein forms V421M.
Identifiers: ClinVar variation 372865 (VCV000372865.6), dbSNP rs781507889, ClinGen allele CA16042397.

ClinVar aggregate classification (germline): Pathogenic/Likely pathogenic. Review status: criteria provided, multiple submitters, no conflicts (2 of 4 stars). 3 submissions from 3 submitters: Pathogenic (1); Likely pathogenic (2). Last evaluated 2022-04-21.

Conditions:
Severe myoclonic epilepsy in infancy (DRVT). Also called: Dravet syndrome; Epileptic encephalopathy, early infantile, 6 (Dravet syndrome); SEVERE MYOCLONIC EPILEPSY OF INFANCY; DEVELOPMENTAL AND EPILEPTIC ENCEPHALOPATHY 6A; Severe Myoclonic Epilepsy in Infancy (SMEI). Identifiers: Orphanet 33069, MedGen C0751122, MONDO:0100135, OMIM 607208.

Submissions (3):

Revvity Omics, Revvity
Classification: Pathogenic. Last evaluated: 2022-04-21. Review status: criteria provided, single submitter. Criteria: ACMG Guidelines, 2015. Collection method: clinical testing. Allele origin: germline.

Baylor Genetics
Classification: Likely pathogenic for Severe myoclonic epilepsy in infancy. Last evaluated: 2019-10-30. Review status: criteria provided, single submitter. Criteria: ACMG Guidelines, 2015. Collection method: clinical testing. Allele origin: unknown. Affected: yes.
Comment: This variant was determined to be likely pathogenic according to ACMG Guidelines, 2015 [PMID:25741868].

GeneDx
Classification: Likely pathogenic. Last evaluated: 2016-01-11. Review status: criteria provided, single submitter. Criteria: GeneDx Variant Classification (06012015). Collection method: clinical testing. Allele origin: germline. Affected: yes.
Comment: The V421M variant has not been published as a pathogenic variant, nor has it been reported as a benign variant to our knowledge. It was not observed in approximately 6,500 individuals of European and African American ancestry in the NHLBI Exome Sequencing Project, indicating it is not a common benign variant in these populations. This substitution occurs at a conserved position in the transmembrane helical segment S3 in the first homologous domain, and in silico analysis predicts this variant is probably damaging to the protein structure/function. Multiple missense variants in nearby residues have been reported in Human Gene Mutation Database in association with SCN1A-related disorders (Stenson et al., 2014), supporting the functional importance of this region of the protein. However, the V421M variant is a conservative amino acid substitution, which is not likely to impact secondary protein structure as these residues share similar properties. Therefore, this variant is likely pathogenic; however, the possibility that it is benign cannot be excluded.